The following is an entry in ClinVar:

NM_000372.5(TYR):c.229C>T (p.Arg77Trp)

Gene: TYR (tyrosinase; plus strand). Cytogenetic location: 11q14.3.
Variant type: single nucleotide variant.
Coding change: c.229C>T on transcript NM_000372.5 (MANE Select); coding-DNA position 229, C replaced by T.
Protein change: p.Arg77Trp; replaces arginine 77 with tryptophan.
Molecular consequence: missense variant.
Genome position (GRCh38, 1-based): chr11:89,178,182, C>T. VCF-style: chr11-89178182-C-T. GRCh37 (hg19) VCF-style: chr11-88911350-C-T.
Other names: short protein forms R77W.
Identifiers: ClinVar variation 99553 (VCV000099553.24), dbSNP rs61753184, ClinGen allele CA227542.

ClinVar aggregate classification (germline): Pathogenic/Likely pathogenic. Review status: criteria provided, multiple submitters, no conflicts (2 of 4 stars). 11 submissions from 10 submitters: Pathogenic (8); Likely pathogenic (1). 2 of the submissions do not count toward it. Last evaluated 2025-10-19.

Conditions:
TYR-related disorder. Also called: TYR-related condition.
Oculocutaneous albinism type 1A (OCA1A). Also called: Albinism, oculocutaneous, type IA. Identifiers: Orphanet 352731, Orphanet 79431, MedGen C4551504, MONDO:0008745, OMIM 203100. Disease mechanism: loss of function.
Oculocutaneous albinism type 1B (OCA1B). Also called: YELLOW ALBINISM; ALBINISM, OCULOCUTANEOUS, TYPE IB; ALBINISM, YELLOW MUTANT TYPE. Identifiers: Orphanet 352731, Orphanet 352737, Orphanet 79434, MedGen C1847024, MONDO:0011749, OMIM 606952.
SKIN/HAIR/EYE PIGMENTATION 3, LIGHT/DARK SKIN (SHEP3). Also called: SKIN/HAIR/EYE PIGMENTATION 3, BLUE/GREEN EYE COLOR; SKIN/HAIR/EYE PIGMENTATION 3, FRECKLING; SKIN/HAIR/EYE PIGMENTATION, VARIATION IN, 3; EYE COLOR 1; EYE COLOR, GREEN/BLUE. Identifiers: MedGen C2677190, OMIM 601800.

Allele frequency attached by ClinVar (database versions not stated): ExAC 0.00003; gnomAD exomes 0.00003 and 0.00013; gnomAD 0.00005 and 0.00006; TOPMed 0.00005; 1000 Genomes Project 30x 0.00016; 1000 Genomes Project 0.00020.
gnomAD v4.1: 197 of 1,614,076 alleles (0.012%); highest among the groups gnomAD compares: Non-Finnish European, 0.016%; no homozygotes.

Submissions (11):

Labcorp Genetics (formerly Invitae), Labcorp
Classification: Pathogenic. Last evaluated: 2025-10-19. Review status: criteria provided, single submitter. Criteria: Invitae Variant Classification Sherloc (09022015). Collection method: clinical testing. Allele origin: germline.
Comment: This sequence change replaces arginine, which is basic and polar, with tryptophan, which is neutral and slightly polar, at codon 77 of the TYR protein (p.Arg77Trp). This variant is present in population databases (rs61753184, gnomAD 0.008%). This missense change has been observed in individuals with oculocutaneous albinism (PMID: 9259202, 28976636, 31077556). ClinVar contains an entry for this variant (Variation ID: 99553). Invitae Evidence Modeling of protein sequence and biophysical properties (such as structural, functional, and spatial information, amino acid conservation, physicochemical variation, residue mobility, and thermodynamic stability) indicates that this missense variant is expected to disrupt TYR protein function with a positive predictive value of 95%. This variant disrupts the p.Arg77 amino acid residue in TYR. Other variant(s) that disrupt this residue have been determined to be pathogenic (PMID: 21985232, 31077556). This suggests that this residue is clinically significant, and that variants that disrupt this residue are likely to be disease-causing. For these reasons, this variant has been classified as Pathogenic.

PreventionGenetics, part of Exact Sciences
Classification: Pathogenic for TYR-related condition. Last evaluated: 2025-09-02. Review status: criteria provided, single submitter. Criteria: ACMG Guidelines, 2015. Collection method: clinical testing. Allele origin: germline.
Comment: The TYR c.229C>T variant is predicted to result in the amino acid substitution p.Arg77Trp. This variant has been reported in the compound heterozygous state in individuals with oculocutaneous albinism (see for examples: Spritz et al. 1997. PubMed ID: 9259202; Marti et al. 2017. PubMed ID: 28976636; Zhong et al. 2019. PubMed ID: 31077556). This variant is present in 0.0080% of alleles in individuals of African descent in gnomAD. Given the evidence, we interpret this variant as pathogenic.

Blueprint Genetics
Classification: Pathogenic for TYR-related disorders. Last evaluated: 2024-11-12. Review status: criteria provided, single submitter. Criteria: ACMG Guidelines, 2015. Collection method: clinical testing. Allele origin: germline. Affected: yes. Observed: 5 variant alleles.

Baylor Genetics
Classification: Pathogenic for SKIN/HAIR/EYE PIGMENTATION 3, LIGHT/DARK SKIN. Last evaluated: 2024-03-30. Review status: criteria provided, single submitter. Criteria: ACMG Guidelines, 2015. Collection method: clinical testing. Allele origin: unknown.

Genetic Services Laboratory, University of Chicago
Classification: Pathogenic. Last evaluated: 2023-10-27. Review status: criteria provided, single submitter. Criteria: ACMG Guidelines, 2015. Collection method: clinical testing. Allele origin: germline. Affected: yes.
Comment: DNA sequence analysis of the TYR gene demonstrated two sequence changes. The first sequence change, c.229C>T, is in exon 1 and results in an amino acid change, p.Arg77Trp. The p.Arg77Trp change affects a highly conserved amino acid residue located in a domain of the TYR protein that is known to be functional. The p.Arg77Trp substitution appears to be deleterious/possibly damaging using several in-silico pathogenicity prediction tools (SIFT, PolyPhen2, Align GVGD, REVEL). This sequence change has previously been reported in several individuals with oculocutaneous albinism [PMID: 9259202, 28976636, 34838614, 33124154, 31077556]. In addition, two other pathogenic sequence changes affecting the same amino acid residue (p.Arg77Gln and p.Arg77Gly) have been described in TYR-related ocular albinism [PMID: 21985232, 31077556, 19865097, 31077556]. This sequence change has been described in the gnomAD database with a frequency of 0.008% in the African/African-American subpopulation (dbSNP rs61753184). These collective evidences indicate that this sequence change is pathogenic.

GeneDx
Classification: Pathogenic. Last evaluated: 2022-06-24. Review status: criteria provided, single submitter. Criteria: GeneDx Variant Classification Process June 2021. Collection method: clinical testing. Allele origin: germline. Affected: yes.
Comment: In silico analysis, which includes protein predictors and evolutionary conservation, supports a deleterious effect; This variant is associated with the following publications: (PMID: 9259202, 10987646, 13680365, 23504663, 28451379, 31077556, 28976636, 19865097, 34426522, 32552135, 33124154)

MGZ Medical Genetics Center
Classification: Pathogenic for Oculocutaneous albinism type 1A. Last evaluated: 2022-05-16. Review status: criteria provided, single submitter. Criteria: ACMG Guidelines, 2015. Collection method: clinical testing. Allele origin: germline. Affected: yes. Observed: 1 variant allele.
Comment: ACMG criteria applied: PM3_STR, PS4_MOD, PM5, PM2_SUP, PP3

Genome-Nilou Lab
Classification: Pathogenic for Oculocutaneous albinism type 1A. Last evaluated: 2021-07-22. Review status: criteria provided, single submitter. Criteria: ACMG Guidelines, 2015. Collection method: clinical testing. Allele origin: germline. Affected: no.

Department of Pathology and Laboratory Medicine, Sinai Health System
Classification: Likely pathogenic for Oculocutaneous albinism type 1A; Oculocutaneous albinism type 1B. Last evaluated: 2020-05-30. Review status: criteria provided, single submitter. Criteria: ACMG Guidelines, 2015. Collection method: research. Allele origin: germline.

Baylor Genetics
Classification: Pathogenic for Oculocutaneous albinism type 1A. Last evaluated: 2015-05-15. Review status: no assertion criteria provided. Collection method: clinical testing. Allele origin: paternal, germline. Inheritance: Autosomal recessive inheritance. Affected: yes. Observed: 2 variant alleles, 1 heterozygote, 1 compound heterozygote. Not counted in ClinVar's aggregate classification.
Comment: Heterozygotes for this variant are expected to be asymptomatic carriers.

Retina International
No classification provided. Review status: no classification provided. Collection method: not provided. Allele origin: not provided. Not counted in ClinVar's aggregate classification.

Literature cited by the submitters: PubMed 9259202 (cited by Labcorp Genetics (formerly Invitae), Labcorp and Baylor Genetics); PubMed 28976636 (cited by Labcorp Genetics (formerly Invitae), Labcorp); PubMed 31077556 (cited by Labcorp Genetics (formerly Invitae), Labcorp); PubMed 21985232 (cited by Labcorp Genetics (formerly Invitae), Labcorp).